The following is an entry in ClinVar:

ClinVar aggregate classification (germline): Uncertain significance (1 of 4 stars; one submission).

Conditions:
Nemaline myopathy 2 (NEM2). Also called: Nemaline myopathy 2, autosomal recessive. Identifiers: MedGen C1850569, MONDO:0009725, OMIM 256030.

Allele frequency attached by ClinVar (database versions not stated): gnomAD exomes below 0.00001 and 0.00001; ExAC 0.00001; gnomAD 0.00001; TOPMed 0.00001.
gnomAD v4.1: 9 of 1,613,912 alleles (0.00056%); highest among the groups gnomAD compares: Admixed American, 0.0083%; no homozygotes.

Submission:

Labcorp Genetics (formerly Invitae), Labcorp
Classification: Uncertain significance for Nemaline myopathy 2. Last evaluated: 2022-08-16. Review status: criteria provided, single submitter. Criteria: Invitae Variant Classification Sherloc (09022015). Collection method: clinical testing. Allele origin: germline.
Comment: This sequence change replaces glutamine, which is neutral and polar, with histidine, which is basic and polar, at codon 2637 of the NEB protein (p.Gln2637His). This variant is present in population databases (rs771035225, gnomAD 0.006%). This variant has not been reported in the literature in individuals affected with NEB-related conditions. ClinVar contains an entry for this variant (Variation ID: 1369998). Algorithms developed to predict the effect of missense changes on protein structure and function are either unavailable or do not agree on the potential impact of this missense change (SIFT: "Deleterious"; PolyPhen-2: "Not Available"; Align-GVGD: "Class C0"). In summary, the available evidence is currently insufficient to determine the role of this variant in disease. Therefore, it has been classified as a Variant of Uncertain Significance.

NM_001164508.2(NEB):c.7911G>C (p.Gln2637His)

Gene: NEB (nebulin; minus strand). Cytogenetic location: 2q23.3.
Variant type: single nucleotide variant.
Coding change: c.7911G>C on transcript NM_001164508.2 (MANE Select); coding-DNA position 7911, G replaced by C.
Protein change: p.Gln2637His; replaces glutamine 2637 with histidine.
Molecular consequence: missense variant.
Genome position (GRCh38, 1-based): chr2:151,643,863, C>G on the plus strand (G>C on the coding strand, the complement: NEB is on the minus strand). VCF-style: chr2-151643863-C-G. GRCh37 (hg19) VCF-style: chr2-152500377-C-G.
Other names: c.7911G>C, p.Gln2637His (NM_001164507.2, NM_001271208.2, NM_004543.5); short protein forms Q2637H.
Identifiers: ClinVar variation 1369998 (VCV001369998.3), dbSNP rs771035225, ClinGen allele CA1909732.
Genomic context (GRCh38, chr2:151,643,863, plus strand): 5'-AAATCTTAGACTCACATCGCTCTGGAGGTCATAGGCCTGCCGAGCATGGATGACATCGCT[C>G]TGGTCGGGCAGGCATGTCCACTGGTGCAGGTAGTTCTTGTAGTCCACGTCGCTGACTAAG-3'
Protein context (NP_001157980.2, residues 2627-2647): YLHQWTCLPD[Gln2637His]SDVIHARQAY